The following is an entry in ClinVar:

ClinVar aggregate classification (germline): Pathogenic (1 of 4 stars; one submission).

Conditions:
Hereditary cancer-predisposing syndrome. Also called: Neoplastic Syndromes, Hereditary; Tumor predisposition; Hereditary neoplastic syndrome; Hereditary Cancer Syndrome. Identifiers: Orphanet 140162, MedGen C0027672, MeSH D009386, MONDO:0015356.

Submission:

Ambry Genetics
Classification: Pathogenic for Hereditary cancer-predisposing syndrome. Last evaluated: 2026-08-12. Review status: criteria provided, single submitter. Criteria: Ambry Variant Classification Scheme 2023. Collection method: clinical testing. Allele origin: germline.
Comment: The p.K824* pathogenic mutation (also known as c.2470A>T), located in coding exon 23 of the RB1 gene, results from an A to T substitution at nucleotide position 2470. This changes the amino acid from a lysine to a stop codon within coding exon 23. This variant was reported in individual(s) with features consistent with RB1-related retinoblastoma (Parsam VL et al. J Genet, 2009 Dec;88:517-27; Ambry internal data). This variant is considered to be rare based on population cohorts in the Genome Aggregation Database (gnomAD). This alteration is expected to result in loss of function by premature protein truncation or nonsense-mediated mRNA decay. As such, this alteration is interpreted as a disease-causing mutation.

Literature cited by the submitters: PubMed 20090211.

NM_000321.3(RB1):c.2470A>T (p.Lys824Ter)

Gene: RB1 (RB transcriptional corepressor 1; plus strand). Cytogenetic location: 13q14.2.
Variant type: single nucleotide variant.
Coding change: c.2470A>T on transcript NM_000321.3 (MANE Select); coding-DNA position 2470, A replaced by T.
Protein change: p.Lys824Ter; replaces lysine 824 with a stop codon.
Molecular consequence: nonsense.
Genome position (GRCh38, 1-based): chr13:48,465,349, A>T. VCF-style: chr13-48465349-A-T. GRCh37 (hg19) VCF-style: chr13-49039485-A-T.
Other names: c.2470A>T, p.Lys824Ter (NM_001407165.1); short protein forms K824*.
Identifiers: ClinVar variation 5027979 (VCV005027979.1).